The following is an entry in ClinVar:

ClinVar aggregate classification (germline): Pathogenic/Likely pathogenic. Review status: criteria provided, multiple submitters, no conflicts (2 of 4 stars). 5 submissions from 5 submitters: Pathogenic (1); Likely pathogenic (3). 1 of the submissions does not count toward it. Last evaluated 2023-12-19.

Conditions:
Liang-Wang syndrome. Identifiers: Orphanet 664438, MedGen C5231479, MONDO:0032886, OMIM 618729.
KCNMA1-related disorder. Also called: KCNMA1-related condition; KCNMA1-related disorders.
Intellectual disability. Also called: Intellectual functioning disability; Intellectual developmental disorder; intellectual disabilities. Identifiers: MedGen C3714756, MeSH D008607, MONDO:0001071, HP:0001249.

Allele frequency attached by ClinVar (database versions not stated): TOPMed below 0.00001; gnomAD exomes below 0.00001; ESP Exome Variant Server 0.00008.

Submissions (5):

Institute of Medical Genetics and Applied Genomics, University Hospital Tübingen
Classification: Likely pathogenic for Liang-Wang syndrome. Last evaluated: 2023-12-19. Review status: criteria provided, single submitter. Criteria: ACMG Guidelines, 2015. Collection method: clinical testing. Allele origin: germline. Inheritance: Autosomal dominant inheritance. Affected: yes.

GeneDx
Classification: Likely pathogenic. Last evaluated: 2023-04-04. Review status: criteria provided, single submitter. Criteria: GeneDx Variant Classification Process June 2021. Collection method: clinical testing. Allele origin: germline. Affected: yes.
Comment: Not observed at significant frequency in large population cohorts (gnomAD); In silico analysis, which includes protein predictors and evolutionary conservation, supports a deleterious effect; Published functional studies demonstrate a damaging effect on protein expression (Liang et al., 2019); This variant is associated with the following publications: (PMID: 31152168, 34499417)

3billion
Classification: Likely pathogenic for Liang-Wang syndrome. Last evaluated: 2021-10-25. Review status: criteria provided, single submitter. Criteria: ACMG Guidelines, 2015. Collection method: clinical testing. Allele origin: germline. Affected: yes. Observed: 1 heterozygote.
Comment: The variant has been previously reported as de novo insimilarly affected unrelated individual (PMID:31152168, PS2). The variant is observed at an extremely low frequency in the gnomAD v2.1.1 dataset (total allele frequency: 0.000004, PM2). In silico tool predictions suggest damaging effect of the variant on gene or gene product (REVEL: 0.621, 3Cnet:0.763, PP3). Therefore, this variant is classified as likley pathogenic according to the recommendation of ACMG/AMP guideline.

Centre of Medical Genetics, University of Antwerp
Classification: Pathogenic for KCNMA1-related disorders. Last evaluated: 2020-11-16. Review status: criteria provided, single submitter. Criteria: ACMG Guidelines, 2015. Collection method: curation. Allele origin: de novo. Affected: yes.

Centre de Biologie Pathologie Génétique, Centre Hospitalier Universitaire de Lille
Classification: Likely benign for Intellectual disability. Last evaluated: 2019-01-01. Review status: no assertion criteria provided. Collection method: clinical testing. Allele origin: inherited. Affected: yes. Not counted in ClinVar's aggregate classification.

Literature cited by the submitters: PubMed 31152168 (cited by 3billion and Centre of Medical Genetics, University of Antwerp).

NM_001161352.2(KCNMA1):c.2588C>T (p.Pro863Leu)

Genes: KCNMA1 (potassium calcium-activated channel subfamily M alpha 1; minus strand), KCNMA1-AS1 (KCNMA1 antisense RNA 1; plus strand). Cytogenetic location: 10q22.3.
Variant type: single nucleotide variant.
Coding change: c.2588C>T on transcript NM_001161352.2 (MANE Select); coding-DNA position 2588, C replaced by T.
Protein change: p.Pro863Leu; replaces proline 863 with leucine.
Molecular consequence: missense variant.
Genome position (GRCh38, 1-based): chr10:76,949,263, G>A on the plus strand (C>T on the coding strand, the complement: KCNMA1 is on the minus strand). VCF-style: chr10-76949263-G-A. GRCh37 (hg19) VCF-style: chr10-78709021-G-A.
Other names: c.2414C>T (NM_002247.3); c.2423C>T (NM_001271519.1); c.2426C>T, p.Pro809Leu (NM_001014797.3, NM_001322835.2, NM_001322837.2); c.2537C>T, p.Pro846Leu (NM_001161353.2); c.2264C>T, p.Pro755Leu (NM_001271518.2); c.2423C>T, p.Pro808Leu (NM_001271519.2, NM_001322829.2, NM_001322836.2); c.2435C>T, p.Pro812Leu (NM_001322830.2); c.1961C>T, p.Pro654Leu (NM_001322838.2); and 1 more; short protein forms P654L, P755L, P805L, P808L, P809L, P812L, P846L, P863L.
Identifiers: ClinVar variation 975413 (VCV000975413.8), dbSNP rs150678882, ClinGen allele CA210083382.